The following is an entry in ClinVar:

ClinVar aggregate classification (germline): Likely benign (1 of 4 stars; one submission).

Submission:

CeGaT Center for Human Genetics Tuebingen
Classification: Likely benign. Last evaluated: 2022-08-01. Review status: criteria provided, single submitter. Criteria: CeGaT Center For Human Genetics Tuebingen Variant Classification Criteria Version 2. Collection method: clinical testing. Allele origin: germline. Affected: yes. Observed: 1 variant allele.
Comment: PKP1: PM2:Supporting, BP4, BP7

NM_001005337.3(PKP1):c.1173C>T (p.Ser391=)

Gene: PKP1 (plakophilin 1; plus strand). Cytogenetic location: 1q32.1.
Variant type: single nucleotide variant.
Coding change: c.1173C>T on transcript NM_001005337.3 (MANE Select); coding-DNA position 1173, C replaced by T.
Protein change: p.Ser391=; no amino-acid change (serine 391 retained).
Molecular consequence: synonymous variant.
Genome position (GRCh38, 1-based): chr1:201,318,736, C>T. VCF-style: chr1-201318736-C-T. GRCh37 (hg19) VCF-style: chr1-201287864-C-T.
Other names: c.1173C>T, p.Ser391= (NM_000299.4).
Identifiers: ClinVar variation 2639779 (VCV002639779.24), dbSNP rs2526762612, ClinGen allele CA422718122.
Genomic context (GRCh38, chr1:201,318,736, plus strand): 5'-CCTGCCTGTTCTGGCCGACCGCGTCATCATTCCCTTCTCTGGCTGGTGCGATGGCAATAG[C>T]AACATGTCCCGGGAAGTGGTGGACCCTGAGGTCTTCTTCAATGCCACAGGCTGCTTGAGG-3'
Protein context (NP_001005337.1, residues 381-401): IPFSGWCDGN[Ser391=]NMSREVVDPE